The following is an entry in ClinVar:

ClinVar aggregate classification (germline): Uncertain significance (1 of 4 stars; one submission).

Conditions:
Multiple endocrine neoplasia type 4. Also called: MULTIPLE ENDOCRINE NEOPLASIA, TYPE IV. Identifiers: Orphanet 276152, MedGen C1970712, MONDO:0012552, OMIM 610755.

Submission:

Labcorp Genetics (formerly Invitae), Labcorp
Classification: Uncertain significance for Multiple endocrine neoplasia type 4. Last evaluated: 2023-01-14. Review status: criteria provided, single submitter. Criteria: Invitae Variant Classification Sherloc (09022015). Collection method: clinical testing. Allele origin: germline.
Comment: This sequence change replaces alanine, which is neutral and non-polar, with aspartic acid, which is acidic and polar, at codon 98 of the CDKN1B protein (p.Ala98Asp). In summary, the available evidence is currently insufficient to determine the role of this variant in disease. Therefore, it has been classified as a Variant of Uncertain Significance. Algorithms developed to predict the effect of missense changes on protein structure and function are either unavailable or do not agree on the potential impact of this missense change (SIFT: "Deleterious"; PolyPhen-2: "Benign"; Align-GVGD: "Class C25"). This variant has not been reported in the literature in individuals affected with CDKN1B-related conditions. This variant is not present in population databases (gnomAD no frequency).

NM_004064.5(CDKN1B):c.293C>A (p.Ala98Asp)

Gene: CDKN1B (cyclin dependent kinase inhibitor 1B; plus strand). Cytogenetic location: 12p13.1.
Variant type: single nucleotide variant.
Coding change: c.293C>A on transcript NM_004064.5 (MANE Select); coding-DNA position 293, C replaced by A.
Protein change: p.Ala98Asp; replaces alanine 98 with aspartic acid.
Molecular consequence: missense variant.
Genome position (GRCh38, 1-based): chr12:12,718,132, C>A. VCF-style: chr12-12718132-C-A. GRCh37 (hg19) VCF-style: chr12-12871066-C-A.
Other names: short protein forms A98D.
Identifiers: ClinVar variation 2828571 (VCV002828571.3), dbSNP rs1946494282, ClinGen allele CA383970082.